The following is an entry in ClinVar:

NM_014994.3(MAPKBP1):c.3236C>T (p.Pro1079Leu)

Gene: MAPKBP1 (mitogen-activated protein kinase binding protein 1; plus strand). Cytogenetic location: 15q15.1.
Variant type: single nucleotide variant.
Coding change: c.3236C>T on transcript NM_014994.3 (MANE Select); coding-DNA position 3236, C replaced by T.
Protein change: p.Pro1079Leu; replaces proline 1079 with leucine.
Molecular consequence: missense variant. On other transcripts: non-coding transcript variant (2).
Genome position (GRCh38, 1-based): chr15:41,822,599, C>T. VCF-style: chr15-41822599-C-T. GRCh37 (hg19) VCF-style: chr15-42114797-C-T.
Other names: c.3254C>T, p.Pro1085Leu (NM_001128608.2); c.3236C>T, p.Pro1079Leu (NM_001265611.2); short protein forms P1085L, P1079L.
Identifiers: ClinVar variation 1358518 (VCV001358518.8), dbSNP rs748338621, ClinGen allele CA7498516.

ClinVar aggregate classification (germline): Uncertain significance (1 of 4 stars; one submission).

Allele frequency attached by ClinVar (database versions not stated): gnomAD exomes below 0.00001; ExAC 0.00001.
gnomAD v4.1: 1 of 1,613,946 alleles (0.000062%); no homozygotes.

Submission:

Labcorp Genetics (formerly Invitae), Labcorp
Classification: Uncertain significance. Last evaluated: 2024-01-19. Review status: criteria provided, single submitter. Criteria: Invitae Variant Classification Sherloc (09022015). Collection method: clinical testing. Allele origin: germline.
Comment: This sequence change replaces proline, which is neutral and non-polar, with leucine, which is neutral and non-polar, at codon 1085 of the MAPKBP1 protein (p.Pro1085Leu). This variant is present in population databases (rs748338621, gnomAD 0.0009%). This variant has not been reported in the literature in individuals affected with MAPKBP1-related conditions. ClinVar contains an entry for this variant (Variation ID: 1358518). An algorithm developed to predict the effect of missense changes on protein structure and function (PolyPhen-2) suggests that this variant is likely to be tolerated. Algorithms developed to predict the effect of sequence changes on RNA splicing suggest that this variant may disrupt the consensus splice site. In summary, the available evidence is currently insufficient to determine the role of this variant in disease. Therefore, it has been classified as a Variant of Uncertain Significance.